The following is an entry in ClinVar:

ClinVar aggregate classification (germline): Uncertain significance (1 of 4 stars; one submission).

Allele frequency attached by ClinVar (database versions not stated): gnomAD exomes below 0.00001; ExAC 0.00001; gnomAD 0.00001; TOPMed 0.00001; ESP Exome Variant Server 0.00008.

Submission:

Labcorp Genetics (formerly Invitae), Labcorp
Classification: Uncertain significance. Last evaluated: 2024-06-22. Review status: criteria provided, single submitter. Criteria: Invitae Variant Classification Sherloc (09022015). Collection method: clinical testing. Allele origin: germline.
Comment: This sequence change creates a premature translational stop signal (p.Cys348*) in the COMP gene. It is expected to result in an absent or disrupted protein product. However, the current clinical and genetic evidence is not sufficient to establish whether loss-of-function variants in COMP cause disease. This variant is present in population databases (rs199732560, gnomAD 0.0009%). This variant has not been reported in the literature in individuals affected with COMP-related conditions. ClinVar contains an entry for this variant (Variation ID: 1021984). In summary, the available evidence is currently insufficient to determine the role of this variant in disease. Therefore, it has been classified as a Variant of Uncertain Significance.

NM_000095.3(COMP):c.1044C>A (p.Cys348Ter)

Gene: COMP (cartilage oligomeric matrix protein; minus strand). Cytogenetic location: 19p13.11.
Variant type: single nucleotide variant.
Coding change: c.1044C>A on transcript NM_000095.3 (MANE Select); coding-DNA position 1044, C replaced by A.
Protein change: p.Cys348Ter; replaces cysteine 348 with a stop codon.
Molecular consequence: nonsense.
Genome position (GRCh38, 1-based): chr19:18,787,582, G>T on the plus strand (C>A on the coding strand, the complement: COMP is on the minus strand). VCF-style: chr19-18787582-G-T. GRCh37 (hg19) VCF-style: chr19-18898391-G-T.
Other names: short protein forms C348*.
Identifiers: ClinVar variation 1021984 (VCV001021984.6), dbSNP rs199732560, ClinGen allele CA9316554.